The following is an entry in ClinVar:

ClinVar aggregate classification (germline): Likely benign. Review status: criteria provided, multiple submitters, no conflicts (2 of 4 stars). 3 submissions from 3 submitters: Likely benign (2). 1 of the submissions does not count toward it. Last evaluated 2026-01-11.

Conditions:
CCDC88C-related disorder. Also called: CCDC88C-Related Disorders; CCDC88C-related condition.

Allele frequency attached by ClinVar (database versions not stated): gnomAD exomes 0.00007 and 0.00014; ExAC 0.00029; gnomAD 0.00032 and 0.00033; TOPMed 0.00032; 1000 Genomes Project 0.00060; 1000 Genomes Project 30x 0.00062.
gnomAD v4.1: 147 of 1,592,008 alleles (0.0092%); highest among the groups gnomAD compares: African/African-American, 0.1%; no homozygotes.

Submissions (3):

Labcorp Genetics (formerly Invitae), Labcorp
Classification: Likely benign. Last evaluated: 2026-01-11. Review status: criteria provided, single submitter. Criteria: Invitae Variant Classification Sherloc (09022015). Collection method: clinical testing. Allele origin: germline.

Blueprint Genetics
Classification: Likely benign. Last evaluated: 2023-11-27. Review status: criteria provided, single submitter. Criteria: ACMG Guidelines, 2015. Collection method: clinical testing. Allele origin: germline.

PreventionGenetics, part of Exact Sciences
Classification: Likely benign for CCDC88C-related condition. Last evaluated: 2021-04-14. Review status: no assertion criteria provided. Collection method: clinical testing. Allele origin: germline. Not counted in ClinVar's aggregate classification.
Comment: This variant is classified as likely benign based on ACMG/AMP sequence variant interpretation guidelines (Richards et al. 2015 PMID: 25741868, with internal and published modifications).

NM_001080414.4(CCDC88C):c.4173A>G (p.Gln1391=)

Gene: CCDC88C (coiled-coil and HOOK domain protein 88C; minus strand). Cytogenetic location: 14q32.11.
Variant type: single nucleotide variant.
Coding change: c.4173A>G on transcript NM_001080414.4 (MANE Select); coding-DNA position 4173, A replaced by G.
Protein change: p.Gln1391=; no amino-acid change (glutamine 1391 retained).
Molecular consequence: synonymous variant.
Genome position (GRCh38, 1-based): chr14:91,291,024, T>C on the plus strand (A>G on the coding strand, the complement: CCDC88C is on the minus strand). VCF-style: chr14-91291024-T-C. GRCh37 (hg19) VCF-style: chr14-91757368-T-C.
Identifiers: ClinVar variation 733821 (VCV000733821.11), dbSNP rs150323220, ClinGen allele CA7309089.